The following is an entry in ClinVar:

ClinVar aggregate classification (germline): Likely benign (1 of 4 stars; one submission).

Conditions:
Congenital disorder of glycosylation (CDG). Also called: Carbohydrate-deficient glycoprotein syndrome; Congenital disorders of glycosylation. Identifiers: Orphanet 137, MedGen C0282577, MONDO:0015286.

Allele frequency attached by ClinVar (database versions not stated): gnomAD exomes 0.00610; 1000 Genomes Project 0.01038; 1000 Genomes Project 30x 0.00921; TOPMed 0.00332; gnomAD 0.00333 and 0.00279.
gnomAD v4.1: 2,096 of 417,842 alleles (0.5%); highest among the groups gnomAD compares: East Asian, 6.2%; 53 homozygotes.

Submission:

Illumina Laboratory Services, Illumina
Classification: Likely benign for Congenital disorder of glycosylation. Last evaluated: 2018-01-13. Review status: criteria provided, single submitter. Criteria: ICSL Variant Classification Criteria 13 December 2019. Collection method: clinical testing. Allele origin: germline.
Comment: This variant was observed in the ICSL laboratory as part of a predisposition screen in an ostensibly healthy population. It had not been previously curated by ICSL or reported in the Human Gene Mutation Database (HGMD: prior to June 1st, 2018), and was therefore a candidate for classification through an automated scoring system. Utilizing variant allele frequency, disease prevalence and penetrance estimates, and inheritance mode, an automated score was calculated to assess if this variant is too frequent to cause the disease. Based on the score and internal cut-off values, a variant classified as likely benign is not then subjected to further curation. The score for this variant resulted in a classification of likely benign for this disease.

NM_006765.3(TUSC3):c.-273G>A

Gene: TUSC3 (tumor suppressor candidate 3; plus strand). Cytogenetic location: 8p22.
Variant type: single nucleotide variant.
Coding change: c.-273G>A on transcript NM_006765.3; 273 bases upstream of the start codon, G replaced by A.
Molecular consequence: 5 prime UTR variant (on NM_178234.2). On other transcripts: intron variant (4).
Genome position (GRCh38, 1-based): chr8:15,540,158, G>A. VCF-style: chr8-15540158-G-A. GRCh37 (hg19) VCF-style: chr8-15397667-G-A.
Other names: c.-273G>A (NM_178234.2); c.79-82922G>A (NM_001413670.1); c.-31+56675G>A (NM_001413672.1); c.-30-82922G>A (NM_001413671.1, NM_001413669.1).
Identifiers: ClinVar variation 362295 (VCV000362295.7), dbSNP rs3810773, ClinGen allele CA10627352.